The following is an entry in ClinVar:

ClinVar aggregate classification (germline): Uncertain significance. Review status: criteria provided, multiple submitters, no conflicts (2 of 4 stars). 2 submissions from 2 submitters: Uncertain significance (2). Last evaluated 2025-10-21.

Conditions:
Inborn genetic diseases. Identifiers: MedGen C0950123, MeSH D030342.

Allele frequency attached by ClinVar (database versions not stated): TOPMed 0.00001.

Submissions (2):

Ambry Genetics
Classification: Uncertain significance for Inborn genetic diseases. Last evaluated: 2025-10-21. Review status: criteria provided, single submitter. Criteria: Ambry Variant Classification Scheme 2023. Collection method: clinical testing. Allele origin: germline.

Labcorp Genetics (formerly Invitae), Labcorp
Classification: Uncertain significance. Last evaluated: 2021-05-27. Review status: criteria provided, single submitter. Criteria: Invitae Variant Classification Sherloc (09022015). Collection method: clinical testing. Allele origin: germline.
Comment: In summary, the available evidence is currently insufficient to determine the role of this variant in disease. Therefore, it has been classified as a Variant of Uncertain Significance. Advanced modeling of protein sequence and biophysical properties (such as structural, functional, and spatial information, amino acid conservation, physicochemical variation, residue mobility, and thermodynamic stability) performed at Invitae indicates that this missense variant is not expected to disrupt FAT4 protein function. This variant has not been reported in the literature in individuals with FAT4-related conditions. This variant is not present in population databases (ExAC no frequency). This sequence change replaces valine with alanine at codon 272 of the FAT4 protein (p.Val272Ala). The valine residue is highly conserved and there is a small physicochemical difference between valine and alanine.

NM_001291303.3(FAT4):c.815T>C (p.Val272Ala)

Gene: FAT4 (FAT atypical cadherin 4; plus strand). Cytogenetic location: 4q28.1.
Variant type: single nucleotide variant.
Coding change: c.815T>C on transcript NM_001291303.3 (MANE Select); coding-DNA position 815, T replaced by C.
Protein change: p.Val272Ala; replaces valine 272 with alanine.
Molecular consequence: missense variant.
Genome position (GRCh38, 1-based): chr4:125,317,226, T>C. VCF-style: chr4-125317226-T-C. GRCh37 (hg19) VCF-style: chr4-126238381-T-C.
Other names: c.815T>C, p.Val272Ala (NM_001291285.3, NM_024582.6); c.815T>C (NM_024582.4); short protein forms V272A.
Identifiers: ClinVar variation 1489654 (VCV001489654.9), dbSNP rs1313831836, ClinGen allele CA358116592.